The following is an entry in ClinVar:

NM_007294.4(BRCA1):c.123C>A (p.His41Gln)

Gene: BRCA1 (BRCA1 DNA repair associated; minus strand). Cytogenetic location: 17q21.31.
Variant type: single nucleotide variant.
Coding change: c.123C>A on transcript NM_007294.4 (MANE Select); coding-DNA position 123, C replaced by A.
Protein change: p.His41Gln; replaces histidine 41 with glutamine.
Molecular consequence: missense variant. On other transcripts: non-coding transcript variant (1), intron variant (1).
Genome position (GRCh38, 1-based): chr17:43,115,737, G>T on the plus strand (C>A on the coding strand, the complement: BRCA1 is on the minus strand). VCF-style: chr17-43115737-G-T. GRCh37 (hg19) VCF-style: chr17-41267754-G-T.
Other names: c.-66C>A (NM_001407571.1, NM_001407853.1, NM_001407879.1 and 52 more transcripts); c.123C>A, p.His41Gln (NM_001407581.1, NM_001407582.1, NM_001407583.1 and 192 more transcripts); c.-135C>A (NM_001407694.1, NM_001407696.1, NM_001407724.1 and 13 more transcripts); c.-139C>A (NM_001407695.1, NM_001408465.1); c.-19C>A (NM_001407697.1, NM_001407725.1, NM_001407728.1 and 47 more transcripts); c.-15C>A (NM_001407841.1); c.-182C>A (NM_001407889.1, NM_001407900.1, NM_001408492.1); c.-181C>A (NM_001407960.1, NM_001407962.1, NM_001408510.1 and 1 more transcripts); and 2 more; short protein forms H41Q.
Identifiers: ClinVar variation 865143 (VCV000865143.3), dbSNP rs786202211, ClinGen allele CA10601913.

Conditions:
Breast-ovarian cancer, familial, susceptibility to, 1 (BROVCA1). Also called: BRCA1 Hereditary Breast and Ovarian Cancer; OVARIAN CANCER, SUSCEPTIBILITY TO. Identifiers: Orphanet 145, MedGen C2676676, MONDO:0011450, OMIM 604370. Disease mechanism: loss of function.

Submission:

Brotman Baty Institute, University of Washington
No classification provided (evidence only). Condition: Breast-ovarian cancer, familial 1. Review status: no classification provided. Collection method: in vitro. Allele origin: not applicable. Functional consequence: functionally_abnormal.
ClinVar note: "not provided" was previously submitted as the classification for the variant. However, the classification appeared to be based only on an observation of functional data so it was converted to no classification on 2025-07-30.